The following is an entry in ClinVar:

NM_007294.4(BRCA1):c.4634A>G (p.His1545Arg)

Gene: BRCA1 (BRCA1 DNA repair associated; minus strand). Cytogenetic location: 17q21.31.
Variant type: single nucleotide variant.
Coding change: c.4634A>G on transcript NM_007294.4 (MANE Select); coding-DNA position 4634, A replaced by G.
Protein change: p.His1545Arg; replaces histidine 1545 with arginine.
Molecular consequence: missense variant. On other transcripts: non-coding transcript variant (1).
Genome position (GRCh38, 1-based): chr17:43,074,372, T>C on the plus strand (A>G on the coding strand, the complement: BRCA1 is on the minus strand). VCF-style: chr17-43074372-T-C. GRCh37 (hg19) VCF-style: chr17-41226389-T-C.
Other names: c.1112A>G, p.His371Arg (NM_001408489.1, NM_001408490.1, NM_001408491.1 and 5 more transcripts); c.4421A>G, p.His1474Arg (NM_001407571.1, NM_001407894.1, NM_001407895.1 and 12 more transcripts); c.4700A>G, p.His1567Arg (NM_001407581.1, NM_001407582.1); c.1109A>G, p.His370Arg (NM_001408492.1, NM_001408493.1); c.4697A>G, p.His1566Arg (NM_001407583.1, NM_001407585.1, NM_001407587.1 and 1 more transcripts); c.1085A>G, p.His362Arg (NM_001408494.1); c.1079A>G, p.His360Arg (NM_001408495.1); c.1061A>G, p.His354Arg (NM_001408496.1, NM_001408497.1, NM_001408498.1 and 3 more transcripts); and 68 more; short protein forms H1498R, H441R, H1545R, H1566R, H1249R, H1376R, H1417R, H1434R.
Identifiers: ClinVar variation 825056 (VCV000825056.22), dbSNP rs1597835935, ClinGen allele CA10592242.
Genomic context (GRCh38, chr17:43,074,372, plus strand): 5'-ACAGCAGATGAAATATTACCTAGATCTTGCCTTGGCAAGTAAGATGTTTCCGTCAAATCG[T>C]GTGGCCCAGACTCTTCCAGCTGTTGCTCCTCCACATCAACAACCTTAATGAGCTCCTCTT-3'
Protein context (NP_009225.1, residues 1535-1555): EEQQLEESGP[His1545Arg]DLTETSYLPR

ClinVar aggregate classification (germline): Uncertain significance. Review status: criteria provided, multiple submitters, no conflicts (2 of 4 stars). 5 submissions from 5 submitters: Uncertain significance (4). 1 of the submissions does not count toward it. Last evaluated 2025-09-14.

Conditions:
Hereditary cancer-predisposing syndrome. Also called: Neoplastic Syndromes, Hereditary; Tumor predisposition; Hereditary neoplastic syndrome; Hereditary Cancer Syndrome. Identifiers: Orphanet 140162, MedGen C0027672, MeSH D009386, MONDO:0015356.
Hereditary breast ovarian cancer syndrome. Also called: Hereditary breast and ovarian cancer syndrome; Hereditary breast and ovarian cancer; Hereditary breast and ovarian cancer syndrome (HBOC); Breast and ovarian cancer; Hereditary breast and/or ovarian cancer syndrome; BRCA1- and BRCA2-Associated Hereditary Breast and Ovarian Cancer. Identifiers: Orphanet 145, MedGen C0677776, MeSH D061325, MONDO:0003582. Disease mechanism: loss of function.

Submissions (5):

Labcorp Genetics (formerly Invitae), Labcorp
Classification: Uncertain significance for Hereditary breast ovarian cancer syndrome. Last evaluated: 2025-09-14. Review status: criteria provided, single submitter. Criteria: Invitae Variant Classification Sherloc (09022015). Collection method: clinical testing. Allele origin: germline.
Comment: This sequence change replaces histidine, which is basic and polar, with arginine, which is basic and polar, at codon 1545 of the BRCA1 protein (p.His1545Arg). This variant is not present in population databases (gnomAD no frequency). This variant has not been reported in the literature in individuals affected with BRCA1-related conditions. ClinVar contains an entry for this variant (Variation ID: 825056). Invitae Evidence Modeling of protein sequence and biophysical properties (such as structural, functional, and spatial information, amino acid conservation, physicochemical variation, residue mobility, and thermodynamic stability) indicates that this missense variant is not expected to disrupt BRCA1 protein function with a negative predictive value of 95%. In summary, the available evidence is currently insufficient to determine the role of this variant in disease. Therefore, it has been classified as a Variant of Uncertain Significance.

Center for Genomic Medicine, Rigshospitalet, Copenhagen University Hospital
Classification: Uncertain significance. Last evaluated: 2025-03-04. Review status: criteria provided, single submitter. Criteria: ACMG Guidelines, 2015. Collection method: clinical testing. Allele origin: germline.

Color Diagnostics, LLC DBA Color Health
Classification: Uncertain significance for Hereditary cancer-predisposing syndrome. Last evaluated: 2024-01-08. Review status: criteria provided, single submitter. Criteria: ACMG Guidelines, 2015. Collection method: clinical testing. Allele origin: germline.
Comment: This missense variant replaces histidine with arginine at codon 1545 of the BRCA1 protein. Computational prediction is inconclusive regarding the impact of this variant on protein structure and function. To our knowledge, functional studies have not been reported for this variant. This variant has not been reported in individuals affected with BRCA1-related disorders in the literature. This variant has not been identified in the general population by the Genome Aggregation Database (gnomAD). The available evidence is insufficient to determine the role of this variant in disease conclusively. Therefore, this variant is classified as a Variant of Uncertain Significance.

Ambry Genetics
Classification: Uncertain significance for Hereditary cancer-predisposing syndrome. Last evaluated: 2018-07-26. Review status: criteria provided, single submitter. Criteria: Ambry Variant Classification Scheme 2023. Collection method: clinical testing. Allele origin: germline.
Comment: The p.H1545R variant (also known as c.4634A>G), located in coding exon 13 of the BRCA1 gene, results from an A to G substitution at nucleotide position 4634. The histidine at codon 1545 is replaced by arginine, an amino acid with highly similar properties. This amino acid position is poorly conserved in available vertebrate species. In addition, the in silico prediction for this alteration is inconclusive. Since supporting evidence is limited at this time, the clinical significance of this alteration remains unclear.

Department of Pathology and Laboratory Medicine, Sinai Health System
Classification: Uncertain significance. Review status: no assertion criteria provided. Collection method: clinical testing. Allele origin: unknown. Affected: yes. Study: The Canadian Open Genetics Repository (COGR). Not counted in ClinVar's aggregate classification.
Comment: The BRCA1 p.His1566Arg variant was not identified in the literature nor was it identified in dbSNP, ClinVar, Cosmic, LOVD 3.0 or in the following control databases: the 1000 Genomes Project, the NHLBI GO Exome Sequencing Project, or the Genome Aggregation Database (March 6, 2019, v2.1.1). The p.His1566 residue is not conserved in mammals and computational analyses (PolyPhen-2, SIFT, AlignGVGD, BLOSUM, MutationTaster) do not suggest a high likelihood of impact to the protein; however, this information is not predictive enough to rule out pathogenicity. The variant occurs outside of the splicing consensus sequence and in silico or computational prediction software programs (SpliceSiteFinder, MaxEntScan, NNSPLICE, GeneSplicer) do not predict a difference in splicing. In summary, based on the above information the clinical significance of this variant cannot be determined with certainty at this time. This variant is classified as a variant of uncertain significance.